The following is an entry in ClinVar:

ClinVar aggregate classification (germline): Uncertain significance. Review status: criteria provided, multiple submitters, no conflicts (2 of 4 stars). 2 submissions from 2 submitters: Uncertain significance (2). Last evaluated 2023-10-23.

gnomAD v4.1: 2 of 1,541,552 alleles (0.00013%); highest among the groups gnomAD compares: Admixed American, 0.0019%; no homozygotes.

Submissions (2):

GeneDx
Classification: Uncertain significance. Last evaluated: 2023-10-23. Review status: criteria provided, single submitter. Criteria: GeneDx Variant Classification Process June 2021. Collection method: clinical testing. Allele origin: germline. Affected: yes.
Comment: In silico analysis supports that this missense variant has a deleterious effect on protein structure/function; Has not been previously published as pathogenic or benign to our knowledge

Blueprint Genetics
Classification: Uncertain significance. Last evaluated: 2022-09-29. Review status: criteria provided, single submitter. Criteria: ACMG Guidelines, 2015. Collection method: clinical testing. Allele origin: germline.

NM_000260.4(MYO7A):c.2372G>C (p.Arg791Pro)

Gene: MYO7A (myosin VIIA; plus strand). Cytogenetic location: 11q13.5.
Variant type: single nucleotide variant.
Coding change: c.2372G>C on transcript NM_000260.4 (MANE Select); coding-DNA position 2372, G replaced by C.
Protein change: p.Arg791Pro; replaces arginine 791 with proline.
Molecular consequence: missense variant.
Genome position (GRCh38, 1-based): chr11:77,179,739, G>C. VCF-style: chr11-77179739-G-C. GRCh37 (hg19) VCF-style: chr11-76890785-G-C.
Other names: c.2372G>C, p.Arg791Pro (NM_001127180.2); c.2339G>C, p.Arg780Pro (NM_001369365.1); short protein forms R780P, R791P.
Identifiers: ClinVar variation 3366273 (VCV003366273.2).